The following is an entry in ClinVar:

NM_000255.4(MMUT):c.688A>G (p.Thr230Ala)

Gene: MMUT (methylmalonyl-CoA mutase; minus strand). Cytogenetic location: 6p12.3.
Variant type: single nucleotide variant.
Coding change: c.688A>G on transcript NM_000255.4 (MANE Select); coding-DNA position 688, A replaced by G.
Protein change: p.Thr230Ala; replaces threonine 230 with alanine.
Molecular consequence: missense variant.
Genome position (GRCh38, 1-based): chr6:49,457,756, T>C on the plus strand (A>G on the coding strand, the complement: MMUT is on the minus strand). VCF-style: chr6-49457756-T-C. GRCh37 (hg19) VCF-style: chr6-49425469-T-C.
Other names: short protein forms T230A.
Identifiers: ClinVar variation 2916615 (VCV002916615.3), dbSNP rs1561958979, ClinGen allele CA364404082.

ClinVar aggregate classification (germline): Likely pathogenic (1 of 4 stars; one submission).

Allele frequency attached by ClinVar (database versions not stated): gnomAD exomes below 0.00001; TOPMed below 0.00001; gnomAD 0.00001.

Submission:

Labcorp Genetics (formerly Invitae), Labcorp
Classification: Likely pathogenic. Last evaluated: 2023-06-23. Review status: criteria provided, single submitter. Criteria: Invitae Variant Classification Sherloc (09022015). Collection method: clinical testing. Allele origin: germline.
Comment: In summary, the currently available evidence indicates that the variant is pathogenic, but additional data are needed to prove that conclusively. Therefore, this variant has been classified as Likely Pathogenic. This variant disrupts the p.Thr230 amino acid residue in MUT. Other variant(s) that disrupt this residue have been determined to be pathogenic (PMID: 16281286, 24059531; Invitae). This suggests that this residue is clinically significant, and that variants that disrupt this residue are likely to be disease-causing. Advanced modeling of protein sequence and biophysical properties (such as structural, functional, and spatial information, amino acid conservation, physicochemical variation, residue mobility, and thermodynamic stability) performed at Invitae indicates that this missense variant is expected to disrupt MUT protein function. This variant has not been reported in the literature in individuals affected with MUT-related conditions. This sequence change replaces threonine, which is neutral and polar, with alanine, which is neutral and non-polar, at codon 230 of the MUT protein (p.Thr230Ala). This variant is not present in population databases (gnomAD no frequency).

Literature cited by the submitters: PubMed 16281286; PubMed 24059531.